The following is an entry in ClinVar:

ClinVar aggregate classification (germline): Uncertain significance (1 of 4 stars; one submission).

Allele frequency attached by ClinVar (database versions not stated): ExAC 0.00002.

Submission:

Labcorp Genetics (formerly Invitae), Labcorp
Classification: Uncertain significance. Last evaluated: 2023-07-19. Review status: criteria provided, single submitter. Criteria: Invitae Variant Classification Sherloc (09022015). Collection method: clinical testing. Allele origin: germline.
Comment: In summary, the available evidence is currently insufficient to determine the role of this variant in disease. Therefore, it has been classified as a Variant of Uncertain Significance. Advanced modeling of protein sequence and biophysical properties (such as structural, functional, and spatial information, amino acid conservation, physicochemical variation, residue mobility, and thermodynamic stability) performed at Invitae indicates that this missense variant is not expected to disrupt UROD protein function. ClinVar contains an entry for this variant (Variation ID: 2184935). This variant has not been reported in the literature in individuals affected with UROD-related conditions. This variant is present in population databases (rs757892987, gnomAD 0.004%). This sequence change replaces valine, which is neutral and non-polar, with isoleucine, which is neutral and non-polar, at codon 101 of the UROD protein (p.Val101Ile).

NM_000374.5(UROD):c.301G>A (p.Val101Ile)

Gene: UROD (uroporphyrinogen decarboxylase; plus strand). Cytogenetic location: 1p34.1.
Variant type: single nucleotide variant.
Coding change: c.301G>A on transcript NM_000374.5 (MANE Select); coding-DNA position 301, G replaced by A.
Protein change: p.Val101Ile; replaces valine 101 with isoleucine.
Molecular consequence: missense variant. On other transcripts: non-coding transcript variant (3).
Genome position (GRCh38, 1-based): chr1:45,013,618, G>A. VCF-style: chr1-45013618-G-A. GRCh37 (hg19) VCF-style: chr1-45479290-G-A.
Other names: short protein forms V101I.
Identifiers: ClinVar variation 2184935 (VCV002184935.4), dbSNP rs757892987, ClinGen allele CA501131.